The following is an entry in ClinVar:

ClinVar aggregate classification (germline): Benign (0 of 4 stars; one submission).

Conditions:
NAV2-related disorder. Also called: NAV2-related condition.

Allele frequency attached by ClinVar (database versions not stated): TOPMed 0.00166; gnomAD 0.00328; gnomAD exomes 0.00430; ExAC 0.01081; 1000 Genomes Project 30x 0.02452; 1000 Genomes Project 0.02536.
gnomAD v4.1: 6,820 of 1,604,386 alleles (0.43%); highest among the groups gnomAD compares: South Asian, 6.2%; 251 homozygotes.

Submission:

PreventionGenetics, part of Exact Sciences
Classification: Benign for NAV2-related condition. Last evaluated: 2019-12-18. Review status: no assertion criteria provided. Collection method: clinical testing. Allele origin: germline.
Comment: This variant is classified as benign based on ACMG/AMP sequence variant interpretation guidelines (Richards et al. 2015 PMID: 25741868, with internal and published modifications).

NM_145117.5(NAV2):c.1617T>C (p.Ile539=)

Gene: NAV2 (neuron navigator 2; plus strand). Cytogenetic location: 11p15.1.
Variant type: single nucleotide variant.
Coding change: c.1617T>C on transcript NM_145117.5 (MANE Select); coding-DNA position 1617, T replaced by C.
Protein change: p.Ile539=; no amino-acid change (isoleucine 539 retained).
Molecular consequence: synonymous variant.
Genome position (GRCh38, 1-based): chr11:19,933,861, T>C. VCF-style: chr11-19933861-T-C. GRCh37 (hg19) VCF-style: chr11-19955407-T-C.
Other names: c.1425T>C, p.Ile475= (NM_001111018.2); c.1686T>C, p.Ile562= (NM_001244963.2); c.1617T>C, p.Ile539= (NM_182964.6).
Identifiers: ClinVar variation 3042293 (VCV003042293.2), dbSNP rs142436930, ClinGen allele CA5917918.
Genomic context (GRCh38, chr11:19,933,861, plus strand): 5'-GCCAAAAGAAGACCCCAGTGGAGCAGCTGTGCCCGAGATGCCAAAAAAGTCCTCCAAGAT[T>C]GCCAGCTTCATCCCCAAAGGGGGGAAGCTCAACAGTGCCAAGAAGGAGCCCATGGCCCCT-3'
Protein context (NP_660093.2, residues 529-549): VPEMPKKSSK[Ile539=]ASFIPKGGKL